The following is an entry in ClinVar:

ClinVar aggregate classification (germline): Likely pathogenic (1 of 4 stars; one submission).

Conditions:
Lethal congenital contractural syndrome Finnish type.

Submission:

Natera, Inc.
Classification: Likely pathogenic for Lethal congenital contractural syndrome Finnish type. Last evaluated: 2025-07-01. Review status: criteria provided, single submitter. Criteria: Natera Variant Classification Schema (03/2026). Collection method: clinical testing. Allele origin: germline.
Comment: The c.2036del variant in GLE1 is a frameshift variant predicted to shift the reading frame beginning at codon 679 and leads to a stop codon 13 codons downstream. This variant is expected to result in nonsense mediated decay, truncation, or a dysfunctional protein product. This variant is rare in the general population with a frequency below the threshold expected for the associated phenotype(s). Given the available evidence, this variant is classified as Likely Pathogenic.

NM_001003722.2(GLE1):c.2036del (p.Leu679fs)

Genes: GLE1 (GLE1 RNA export mediator; plus strand), LOC101929270 (uncharacterized LOC101929270; minus strand). Cytogenetic location: 9q34.11.
Variant type: Deletion.
Coding change: c.2036del on transcript NM_001003722.2 (MANE Select); coding-DNA position 2036, one base deleted (T; older notation c.2036delT).
Protein change: p.Leu679fs; shifts the reading frame from leucine 679.
Molecular consequence: frameshift variant.
Genome position (GRCh38, 1-based): chr9:128,541,109, T deleted; the last of 3 consecutive T bases (chr9:128,541,107-128,541,109); deleting any one gives the same sequence. VCF-style (leftmost placement, unchanged base first): chr9-128541106-GT-G. GRCh37 (hg19) VCF-style: chr9-131303385-GT-G.
Other names: c.2036delT, p.Leu679Cysfs (NM_001003722.1); c.2063del, p.Leu688fs (NM_001411013.1); short protein forms L679fs, L688fs.
Identifiers: ClinVar variation 4814497 (VCV004814497.1).